The following is an entry in ClinVar:

ClinVar aggregate classification (germline): Conflicting classifications of pathogenicity. Review status: criteria provided, conflicting classifications (1 of 4 stars). 4 submissions from 4 submitters: Uncertain significance (3); Likely benign (1). Last evaluated 2026-01-28.

Allele frequency attached by ClinVar (database versions not stated): gnomAD exomes 0.00004; ExAC 0.00005; 1000 Genomes Project 30x 0.00016; gnomAD 0.00044; TOPMed 0.00048; ESP Exome Variant Server 0.00049.
gnomAD v4.1: 127 of 1,612,178 alleles (0.0079%); highest among the groups gnomAD compares: African/African-American, 0.15%; no homozygotes.

Submissions (4):

Labcorp Genetics (formerly Invitae), Labcorp
Classification: Likely benign. Last evaluated: 2026-01-28. Review status: criteria provided, single submitter. Criteria: Invitae Variant Classification Sherloc (09022015). Collection method: clinical testing. Allele origin: germline.

GeneDx
Classification: Uncertain significance. Last evaluated: 2025-06-26. Review status: criteria provided, single submitter. Criteria: GeneDx Variant Classification Process June 2021. Collection method: clinical testing. Allele origin: germline. Affected: yes.
Comment: In silico analysis suggests that this missense variant does not alter protein structure/function; Has not been previously published as pathogenic or benign to our knowledge

Ambry Genetics
Classification: Uncertain significance. Last evaluated: 2023-12-08. Review status: criteria provided, single submitter. Criteria: Ambry Variant Classification Scheme 2023. Collection method: clinical testing. Allele origin: germline.

CeGaT Center for Human Genetics Tuebingen
Classification: Uncertain significance. Last evaluated: 2022-03-01. Review status: criteria provided, single submitter. Criteria: CeGaT Center For Human Genetics Tuebingen Variant Classification Criteria Version 2. Collection method: clinical testing. Allele origin: germline. Affected: yes. Observed: 1 variant allele.
Comment: CACNA1B: PM2, PP2

NM_000718.4(CACNA1B):c.5240A>G (p.Asn1747Ser)

Gene: CACNA1B (calcium voltage-gated channel subunit alpha1 B; plus strand). Cytogenetic location: 9q34.3.
Variant type: single nucleotide variant.
Coding change: c.5240A>G on transcript NM_000718.4 (MANE Select); coding-DNA position 5240, A replaced by G.
Protein change: p.Asn1747Ser; replaces asparagine 1747 with serine.
Molecular consequence: missense variant.
Genome position (GRCh38, 1-based): chr9:138,102,728, A>G. VCF-style: chr9-138102728-A-G. GRCh37 (hg19) VCF-style: chr9-140997180-A-G.
Other names: c.5240A>G (NM_000718.3); c.5240A>G, p.Asn1747Ser (NM_001243812.2); short protein forms N1747S.
Identifiers: ClinVar variation 2068424 (VCV002068424.30), dbSNP rs201918992, ClinGen allele CA5377325.
Genomic context (GRCh38, chr9:138,102,728, plus strand): 5'-GACCACCCCACTGTGCCCTGGCCTCGCTGGGACGGGTTTCCAGTGGGCGCATCAGTTACA[A>G]TGACATGTTTGAGATGCTGAAACACATGTCCCCGCCTCTGGGGCTGGGGAAGAAATGCCC-3'
Protein context (NP_000709.1, residues 1737-1757): DPAACGRISY[Asn1747Ser]DMFEMLKHMS